The following is an entry in ClinVar:

ClinVar aggregate classification (germline): Uncertain significance (1 of 4 stars; one submission).

Conditions:
Emery-Dreifuss muscular dystrophy 5, autosomal dominant (EDMD5). Also called: EMERY-DREIFUSS MUSCULAR DYSTROPHY 5. Identifiers: Orphanet 261, MedGen C2751805, MONDO:0013072, OMIM 612999.

Submission:

Labcorp Genetics (formerly Invitae), Labcorp
Classification: Uncertain significance for Emery-Dreifuss muscular dystrophy 5, autosomal dominant. Last evaluated: 2025-07-30. Review status: criteria provided, single submitter. Criteria: Invitae Variant Classification Sherloc (09022015). Collection method: clinical testing. Allele origin: germline.
Comment: This sequence change replaces glutamine, which is neutral and polar, with leucine, which is neutral and non-polar, at codon 4639 of the SYNE2 protein (p.Gln4639Leu). This variant is not present in population databases (gnomAD no frequency). This variant has not been reported in the literature in individuals affected with SYNE2-related conditions. An algorithm developed to predict the effect of missense changes on protein structure and function (PolyPhen-2) suggests that this variant is likely to be disruptive. In summary, the available evidence is currently insufficient to determine the role of this variant in disease. Therefore, it has been classified as a Variant of Uncertain Significance.

NM_182914.3(SYNE2):c.13916A>T (p.Gln4639Leu)

Gene: SYNE2 (spectrin repeat containing nuclear envelope protein 2; plus strand). Cytogenetic location: 14q23.2.
Variant type: single nucleotide variant.
Coding change: c.13916A>T on transcript NM_182914.3 (MANE Select); coding-DNA position 13916, A replaced by T.
Protein change: p.Gln4639Leu; replaces glutamine 4639 with leucine.
Molecular consequence: missense variant.
Genome position (GRCh38, 1-based): chr14:64,126,806, A>T. VCF-style: chr14-64126806-A-T. GRCh37 (hg19) VCF-style: chr14-64593524-A-T.
Other names: c.13916A>T, p.Gln4639Leu (NM_015180.6); short protein forms Q4639L.
Identifiers: ClinVar variation 4724483 (VCV004724483.1).